The following is an entry in ClinVar:

ClinVar aggregate classification (germline): Uncertain significance. Review status: criteria provided, multiple submitters, no conflicts (2 of 4 stars). 2 submissions from 2 submitters: Uncertain significance (2). Last evaluated 2023-11-16.

Allele frequency attached by ClinVar (database versions not stated): gnomAD exomes below 0.00001.
gnomAD v4.1: 2 of 1,614,174 alleles (0.00012%); highest among the groups gnomAD compares: Non-Finnish European, 0.00017%; no homozygotes.

Submissions (2):

Ambry Genetics
Classification: Uncertain significance. Last evaluated: 2023-11-16. Review status: criteria provided, single submitter. Criteria: Ambry Variant Classification Scheme 2023. Collection method: clinical testing. Allele origin: germline.
Comment: The p.Y266C variant (also known as c.797A>G), located in coding exon 6 of the RINT1 gene, results from an A to G substitution at nucleotide position 797. The tyrosine at codon 266 is replaced by cysteine, an amino acid with highly dissimilar properties. This amino acid position is conserved. In addition, this alteration is predicted to be tolerated by in silico analysis. Since supporting evidence is limited at this time, the clinical significance of this alteration remains unclear.

Labcorp Genetics (formerly Invitae), Labcorp
Classification: Uncertain significance. Last evaluated: 2018-12-05. Review status: criteria provided, single submitter. Criteria: Invitae Variant Classification Sherloc (09022015). Collection method: clinical testing. Allele origin: germline.
Comment: This sequence change replaces tyrosine with cysteine at codon 266 of the RINT1 protein (p.Tyr266Cys). The tyrosine residue is weakly conserved and there is a large physicochemical difference between tyrosine and cysteine. This variant is not present in population databases (ExAC no frequency). This variant has not been reported in the literature in individuals with RINT1-related conditions. Algorithms developed to predict the effect of missense changes on protein structure and function (SIFT, PolyPhen-2, Align-GVGD) all suggest that this variant is likely to be tolerated, but these predictions have not been confirmed by published functional studies and their clinical significance is uncertain. In summary, the available evidence is currently insufficient to determine the role of this variant in disease. Therefore, it has been classified as a Variant of Uncertain Significance.

NM_021930.6(RINT1):c.797A>G (p.Tyr266Cys)

Gene: RINT1 (RAD50 interactor 1; plus strand). Cytogenetic location: 7q22.3.
Variant type: single nucleotide variant.
Coding change: c.797A>G on transcript NM_021930.6 (MANE Select); coding-DNA position 797, A replaced by G.
Protein change: p.Tyr266Cys; replaces tyrosine 266 with cysteine.
Molecular consequence: missense variant. On other transcripts: 5 prime UTR variant (2), non-coding transcript variant (1), intron variant (1).
Genome position (GRCh38, 1-based): chr7:105,547,291, A>G. VCF-style: chr7-105547291-A-G. GRCh37 (hg19) VCF-style: chr7-105187738-A-G.
Other names: c.563A>G, p.Tyr188Cys (NM_001346599.2); c.-223A>G (NM_001346600.2); c.-126A>G (NM_001346601.2); c.-27-2764A>G (NM_001346603.2); short protein forms Y266C, Y188C.
Identifiers: ClinVar variation 662476 (VCV000662476.9), dbSNP rs1586235354, ClinGen allele CA368806404.